The following is an entry in ClinVar:

NM_000020.3(ACVRL1):c.998G>T (p.Ser333Ile)

Gene: ACVRL1 (activin A receptor like type 1; plus strand). Cytogenetic location: 12q13.13.
Variant type: single nucleotide variant.
Coding change: c.998G>T on transcript NM_000020.3 (MANE Select); coding-DNA position 998, G replaced by T.
Protein change: p.Ser333Ile; replaces serine 333 with isoleucine.
Molecular consequence: missense variant.
Genome position (GRCh38, 1-based): chr12:51,915,450, G>T. VCF-style: chr12-51915450-G-T. GRCh37 (hg19) VCF-style: chr12-52309234-G-T.
Other names: p.S333I:AGC>ATC; NM_000020.3(ACVRL1):c.998G>T; c.998G>T, p.Ser333Ile (NM_001077401.2); short protein forms S333I.
Identifiers: ClinVar variation 212802 (VCV000212802.27), dbSNP rs863223413, ClinGen allele CA322708.

ClinVar aggregate classification (germline): Pathogenic. Review status: reviewed by expert panel (3 of 4 stars). 8 submissions from 8 submitters: Pathogenic (1). 7 of the submissions do not count toward it. Last evaluated 2024-03-15.

Conditions:
Cardiovascular phenotype. Identifiers: MedGen CN230736.
Hereditary hemorrhagic telangiectasia (HHT). Also called: Osler hemorrhagic telangiectasia syndrome; ORW DISEASE; Osler Weber Rendu syndrome; OSLER-RENDU-WEBER DISEASE. Identifiers: Orphanet 774, MedGen C0039445, MONDO:0019180. Disease mechanism: loss of function.
Telangiectasia, hereditary hemorrhagic, type 2 (HHT2). Also called: ACVRL1-Related Hereditary Hemorrhagic Telangiectasia; Telangiectasia, hereditary hemorrhagic, type II. Identifiers: Orphanet 774, MedGen C1838163, MONDO:0010880, OMIM 600376. Disease mechanism: loss of function.

Submissions (8):

ClinGen Hereditary Hemorrhagic Telangiectasia Variant Curation Expert Panel, ClinGen
Classification: Pathogenic for Telangiectasia, hereditary hemorrhagic, type 2. Last evaluated: 2024-03-15. Review status: reviewed by expert panel. Criteria: ClinGen HHT ACMG Specifications ACVRL1 V1.1.0. Collection method: curation. Allele origin: germline. Inheritance: Autosomal dominant inheritance.
Comment: The NM_000020.3: c.998G>T variant in ACVRL1 is a missense variant predicted to cause substitution of serine by isoleucine at amino acid 333 (p.Ser333Ile). This variant is absent from gnomAD v2.1.1 (PM2_Supporting). This variant has been reported in >4 probands with a phenotype consistent of HHT (PS4; Internal lab contributors). At least one patient's phenotype meets Curacao Criteria for HHT, and sequencing and large deletion/duplication analysis was performed for ENG and ACVRL1, which is highly specific for HHT (PP4_Moderate; Internal lab contributors). The variant has been reported to segregate with disease in a large HHT family (PP1_Strong; Internal lab contributors). This variant resides within a region, Arg329-Asn335 (catalytic loop), of ACVRL1 that is defined as a critical functional domain/residue by the ClinGen Hereditary Hemorrhagic Telangiectasia Variant Curation Expert Panel (PM1). The computational predictor REVEL gives a score of 0.975, which is above the threshold of greater than or equal to 0.644, evidence that correlates with impact to ACVRL1 function (PP3). Additionally, western blot in HEK293T, COS7 and Hep3B mutant cells showed reduced surface expression of the variant protein and dominant-negative effect. Moreover, the variant induces embryonic dorsalization indicating that this variant impacts protein function (PS3_Supporting; PMID: 16282348). In summary, this variant meets the criteria to be classified as pathogenic for Hereditary Hemorrhagic Telangiectasia based on the ACMG/AMP criteria applied, as specified by the ClinGen Hereditary Hemorrhagic Telangiectasia Variant Curation Expert Panel: PM1, PM2_Supporting, PS4, PS3_Supporting, PP1_Strong, PP3, PP4_Moderate (specification version 1.0.0; 1/04/2024).

ARUP Laboratories, Molecular Genetics and Genomics, ARUP Laboratories
Classification: Pathogenic for Telangiectasia, hereditary hemorrhagic, type 2. Last evaluated: 2025-06-30. Review status: criteria provided, single submitter. Criteria: ARUP Molecular Germline Variant Investigation Process 2024. Collection method: clinical testing. Allele origin: germline. Not counted in ClinVar's aggregate classification.
Comment: The ACVRL1 c.998G>T; p.Ser333Ile variant (rs863223413), is reported in the literature in several families affected with HHT (Abdalla 2000, Berg 1997, Lux 2013, McDonald 2011). This variant is reported as pathogenic in ClinVar (Variation ID: 212802), and is absent from the Genome Aggregation Database (v2.1.1), indicating it is not a common polymorphism. Functional analyses of the variant protein show reduced expression and a dominant-negative effect on the wild-type protein (Abdalla 2000, Gu 2006). The serine at codon 333 is a highly conserved residue in the protein kinase domain, and computational algorithms predict that this variant is deleterious (REVEL: 0.975). Based on available information, the p.Ser333Ile variant is considered to be pathogenic. References: Abdalla SA et al. Analysis of ALK-1 and endoglin in newborns from families with hereditary hemorrhagic telangiectasia type 2. Hum Mol Genet. 2000 May 1;9(8):1227-37. PMID: 10767348. Berg JN et al. The activin receptor-like kinase 1 gene: genomic structure and mutations in hereditary hemorrhagic telangiectasia type 2. Am J Hum Genet. 1997 Jul;61(1):60-7. PMID: 9245985. Gu Y et al. Functional analysis of mutations in the kinase domain of the TGF-beta receptor ALK1 reveals different mechanisms for induction of hereditary hemorrhagic telangiectasia. Blood. 2006 Mar 1;107(5):1951-4. PMID: 16282348. Lux A et al. HHT diagnosis by Mid-infrared spectroscopy and artificial neural network analysis. Orphanet J Rare Dis. 2013 Jun 27;8:94. PMID: 23805858. McDonald J et al. Molecular diagnosis in hereditary hemorrhagic telangiectasia: findings in a series tested simultaneously by sequencing and deletion/duplication analysis. Clin Genet. 2011 Apr;79(4):335-44. PMID: 21158752.

Labcorp Genetics (formerly Invitae), Labcorp
Classification: Pathogenic for Telangiectasia, hereditary hemorrhagic, type 2. Last evaluated: 2025-06-20. Review status: criteria provided, single submitter. Criteria: Invitae Variant Classification Sherloc (09022015). Collection method: clinical testing. Allele origin: germline. Not counted in ClinVar's aggregate classification.
Comment: This sequence change replaces serine, which is neutral and polar, with isoleucine, which is neutral and non-polar, at codon 333 of the ACVRL1 protein (p.Ser333Ile). This variant is not present in population databases (gnomAD no frequency). This missense change has been observed in individual(s) with hereditary hemmorhagic telangiectasia (PMID: 9245985, 10767348, 12843319, 21158752). It has also been observed to segregate with disease in related individuals. ClinVar contains an entry for this variant (Variation ID: 212802). Invitae Evidence Modeling of protein sequence and biophysical properties (such as structural, functional, and spatial information, amino acid conservation, physicochemical variation, residue mobility, and thermodynamic stability) indicates that this missense variant is expected to disrupt ACVRL1 protein function with a positive predictive value of 95%. Experimental studies have shown that this missense change affects ACVRL1 function (PMID: 16282348). For these reasons, this variant has been classified as Pathogenic.

Ambry Genetics
Classification: Pathogenic for Cardiovascular phenotype. Last evaluated: 2025-03-26. Review status: criteria provided, single submitter. Criteria: Ambry Variant Classification Scheme 2023. Collection method: clinical testing. Allele origin: germline. Not counted in ClinVar's aggregate classification.
Comment: The p.S333I pathogenic mutation (also known as c.998G>T), located in coding exon 6 of the ACVRL1 gene, results from a G to T substitution at nucleotide position 998. The serine at codon 333 is replaced by isoleucine, an amino acid with dissimilar properties. This mutation has been identified in several individuals with HHT, including segregating in a large family (Berg JN et al. Am. J. Hum. Genet., 1997 Jul;61:60-7; McDonald JE et al. Am. J. Med. Genet., 2000 Aug;93:320-7; Lux A et al. Orphanet J Rare Dis, 2013 Jun;8:94). Functional studies demonstrated this mutation had a dominant-negative effect on the normal protein and resulted in reduced protein expression on the cell surface (Gu Y et al. Blood, 2006 Mar;107:1951-4). This variant is considered to be rare based on population cohorts in the Genome Aggregation Database (gnomAD). In addition, this alteration is predicted to be deleterious by in silico analysis. Based on the supporting evidence, this alteration is interpreted as a disease-causing mutation.

Mayo Clinic Laboratories, Mayo Clinic
Classification: Pathogenic. Last evaluated: 2024-12-05. Review status: criteria provided, single submitter. Criteria: ACMG Guidelines, 2015. Collection method: clinical testing. Allele origin: germline. Observed: 2 variant alleles. Not counted in ClinVar's aggregate classification.
Comment: PP1_strong, PP3, PP4_moderate, PM1, PM2_supporting, PS3_supporting, PS4

Women's Health and Genetics/Laboratory Corporation of America, LabCorp
Classification: Pathogenic for Hereditary Hemorrhagic Telangiectasia. Last evaluated: 2024-08-07. Review status: criteria provided, single submitter. Criteria: LabCorp Variant Classification Summary - May 2015. Collection method: clinical testing. Allele origin: germline. Not counted in ClinVar's aggregate classification.
Comment: Variant summary: ACVRL1 c.998G>T (p.Ser333Ile) results in a non-conservative amino acid change located in the Protein kinase domain (IPR000719) of the encoded protein sequence. Five of five in-silico tools predict a damaging effect of the variant on protein function. The variant was absent in 249936 control chromosomes. c.998G>T has been reported in the literature in multiple individuals affected with Hereditary Hemorrhagic Telangiectasia (examples: Abdalla_2003 and McDonald_2011). These data indicate that the variant is very likely to be associated with disease. The following publications have been ascertained in the context of this evaluation (PMID: 12700602, 21158752). ClinVar contains an entry for this variant (Variation ID: 212802). Based on the evidence outlined above, the variant was classified as pathogenic.

GeneDx
Classification: Pathogenic. Last evaluated: 2023-10-04. Review status: criteria provided, single submitter. Criteria: GeneDx Variant Classification Process June 2021. Collection method: clinical testing. Allele origin: germline. Affected: yes. Not counted in ClinVar's aggregate classification.
Comment: Not observed at significant frequency in large population cohorts (gnomAD); In silico analysis supports that this missense variant has a deleterious effect on protein structure/function; Published functional studies in HeLa cells showed intracellular localization and co-localized to the endoplasmic reticulum as opposed to wild-type, and the variant appears to function as a trafficking defect (Harrison et al., 2003; Gu et al., 2006).; This variant is associated with the following publications: (PMID: 10767348, 29398197, 9245985, 15266205, 12843319, 23805858, 32300199, 16282348, 12700602, 29483005, 21158752, 14684682, 10946360)

Fulgent Genetics
Classification: Pathogenic for Telangiectasia, hereditary hemorrhagic, type 2. Last evaluated: 2021-12-22. Review status: criteria provided, single submitter. Criteria: ACMG Guidelines, 2015. Collection method: clinical testing. Allele origin: unknown. Not counted in ClinVar's aggregate classification.

Literature cited by the submitters: PubMed 9245985 (cited by 3 submitters); PubMed 10767348 (cited by Labcorp Genetics (formerly Invitae), Labcorp and Mayo Clinic Laboratories, Mayo Clinic); PubMed 12843319 (cited by Labcorp Genetics (formerly Invitae), Labcorp and Mayo Clinic Laboratories, Mayo Clinic); PubMed 21158752 (cited by 3 submitters); PubMed 16282348 (cited by 3 submitters); PubMed 10946360 (cited by Ambry Genetics and Mayo Clinic Laboratories, Mayo Clinic); PubMed 23805858 (cited by Ambry Genetics); PubMed 12700602 (cited by Mayo Clinic Laboratories, Mayo Clinic and Women's Health and Genetics/Laboratory Corporation of America, LabCorp); PubMed 15266205 (cited by Mayo Clinic Laboratories, Mayo Clinic); PubMed 29398197 (cited by Mayo Clinic Laboratories, Mayo Clinic); PubMed 32300199 (cited by Mayo Clinic Laboratories, Mayo Clinic).